The following is an entry in ClinVar:

NM_000868.4(HTR2C):c.1325A>G (p.Glu442Gly)

Genes: HTR2C (5-hydroxytryptamine receptor 2C; plus strand), LOC126863306 (MED14-independent group 3 enhancer GRCh37_chrX:114140926-114142125; plus strand). Cytogenetic location: Xq23.
Variant type: single nucleotide variant.
Coding change: c.1325A>G on transcript NM_000868.4 (MANE Select); coding-DNA position 1325, A replaced by G.
Protein change: p.Glu442Gly; replaces glutamic acid 442 with glycine.
Molecular consequence: missense variant. On other transcripts: 3 prime UTR variant (1).
Genome position (GRCh38, 1-based): chrX:114,907,363, A>G. VCF-style: chrX-114907363-A-G. GRCh37 (hg19) VCF-style: chrX-114141926-A-G.
Other names: c.1325A>G, p.Glu442Gly (NM_001256760.3); c.*483A>G (NM_001256761.3); c.1325A>G (NM_000868.3); short protein forms E442G.
Identifiers: ClinVar variation 3285036 (VCV003285036.2).

ClinVar aggregate classification (germline): Uncertain significance. Review status: criteria provided, multiple submitters, no conflicts (2 of 4 stars). 2 submissions from 2 submitters: Uncertain significance (2). Last evaluated 2026-04-23.

Conditions:
HTR2C-related disorder. Also called: HTR2C-related condition.

Submissions (2):

PreventionGenetics, part of Exact Sciences
Classification: Uncertain significance for HTR2C-related condition. Last evaluated: 2026-04-23. Review status: criteria provided, single submitter. Criteria: ACMG Guidelines, 2015. Collection method: clinical testing. Allele origin: germline.
Comment: The HTR2C c.1325A>G variant is predicted to result in the amino acid substitution p.Glu442Gly. To our knowledge, this variant has not been reported in the literature. This variant is reported in 0.0024% of alleles in individuals of European (Non-Finnish) descent in gnomAD. At this time, the clinical significance of this variant is uncertain due to the absence of conclusive functional and genetic evidence.

Ambry Genetics
Classification: Uncertain significance. Last evaluated: 2024-05-23. Review status: criteria provided, single submitter. Criteria: Ambry Variant Classification Scheme 2023. Collection method: clinical testing. Allele origin: germline.